The following is an entry in ClinVar:

NM_000136.3(FANCC):c.1508C>T (p.Thr503Met)

Genes: AOPEP (aminopeptidase O (putative); plus strand), FANCC (FA complementation group C; minus strand). Cytogenetic location: 9q22.32.
Variant type: single nucleotide variant.
Coding change: c.1508C>T on transcript NM_000136.3 (MANE Select); coding-DNA position 1508, C replaced by T.
Protein change: p.Thr503Met; replaces threonine 503 with methionine.
Molecular consequence: missense variant.
Genome position (GRCh38, 1-based): chr9:95,107,091, G>A on the plus strand (C>T on the coding strand, the complement: FANCC is on the minus strand). VCF-style: chr9-95107091-G-A. GRCh37 (hg19) VCF-style: chr9-97869373-G-A.
Other names: c.1508C>T, p.Thr503Met (NM_001243743.2); short protein forms T503M.
Identifiers: ClinVar variation 234312 (VCV000234312.24), dbSNP rs779982610, ClinGen allele CA5137322.

ClinVar aggregate classification (germline): Conflicting classifications of pathogenicity. Review status: criteria provided, conflicting classifications (1 of 4 stars). 6 submissions from 6 submitters: Uncertain significance (4); Likely benign (1). 1 of the submissions does not count toward it. Last evaluated 2025-12-17.

Conditions:
FANCC-related disorder. Also called: FANCC-related condition.
Hereditary cancer-predisposing syndrome. Also called: Neoplastic Syndromes, Hereditary; Hereditary neoplastic syndrome; Tumor predisposition; Hereditary Cancer Syndrome. Identifiers: Orphanet 140162, MedGen C0027672, MeSH D009386, MONDO:0015356.
Fanconi anemia (FA). Also called: Fanconi's anemia. Identifiers: Orphanet 84, MedGen C0015625, MeSH D005199, MONDO:0019391.
Fanconi anemia complementation group C (FANCC). Also called: FANCC-Related Fanconi Anemia; FANCONI PANCYTOPENIA, TYPE 3; FACC; Fanconi anemia, group C. Identifiers: Orphanet 84, MedGen C3468041, MONDO:0009213, OMIM 227645.

Allele frequency attached by ClinVar (database versions not stated): ExAC 0.00001; gnomAD 0.00001; gnomAD exomes 0.00004 and 0.00001; TOPMed 0.00002.
gnomAD v4.1: 59 of 1,614,092 alleles (0.0037%); highest among the groups gnomAD compares: East Asian, 0.016%; no homozygotes.

Submissions (6):

Labcorp Genetics (formerly Invitae), Labcorp
Classification: Likely benign for Fanconi anemia. Last evaluated: 2025-12-17. Review status: criteria provided, single submitter. Criteria: Invitae Variant Classification Sherloc (09022015). Collection method: clinical testing. Allele origin: germline.

Quest Diagnostics Nichols Institute San Juan Capistrano
Classification: Uncertain significance. Last evaluated: 2024-08-02. Review status: criteria provided, single submitter. Criteria: Quest Diagnostics criteria. Collection method: clinical testing. Allele origin: unknown.
Comment: The FANCC c.1508C>T (p.Thr503Met) variant has been reported in the published literature in individuals with breast cancer as well as unaffected control individuals (PMID: 29905759 (2018), 33471991 (2021), see also LOVD). The frequency of this variant in the general population, 0.000023 (3/129086 chromosomes (Genome Aggregation Database)), is uninformative in the assessment of its pathogenicity. Analysis of this variant using bioinformatics tools for the prediction of the effect of amino acid changes on protein structure and function yielded predictions that this variant is benign. Based on the available information, we are unable to determine the clinical significance of this variant.

Fulgent Genetics
Classification: Uncertain significance for Fanconi anemia complementation group C. Last evaluated: 2024-03-09. Review status: criteria provided, single submitter. Criteria: ACMG Guidelines, 2015. Collection method: clinical testing. Allele origin: germline.

Ambry Genetics
Classification: Uncertain significance for Hereditary cancer-predisposing syndrome. Last evaluated: 2023-03-11. Review status: criteria provided, single submitter. Criteria: Ambry Variant Classification Scheme 2023. Collection method: clinical testing. Allele origin: germline.
Comment: The p.T503M variant (also known as c.1508C>T), located in coding exon 13 of the FANCC gene, results from a C to T substitution at nucleotide position 1508. The threonine at codon 503 is replaced by methionine, an amino acid with similar properties. This alteration was identified in 1/1358 non-cancer control individuals and in 0/57 cases, in a study looking at cancer predisposition mutations in patients with cutaneous melanoma and a history of at least two additional non-cutaneous melanoma primary cancers (Pritchard AL et al. PLoS One, 2018 Apr;13:e0194098). This amino acid position is poorly conserved in available vertebrate species. In addition, this alteration is predicted to be tolerated by in silico analysis. Since supporting evidence is limited at this time, the clinical significance of this alteration remains unclear.

GeneDx
Classification: Uncertain significance. Last evaluated: 2022-06-16. Review status: criteria provided, single submitter. Criteria: GeneDx Variant Classification Process June 2021. Collection method: clinical testing. Allele origin: germline. Affected: yes.
Comment: Not observed at significant frequency in large population cohorts (gnomAD); In silico analysis supports that this missense variant does not alter protein structure/function; Observed in an individual with breast cancer (Zhang 2018); This variant is associated with the following publications: (PMID: 25256751, 29905759, Gordon2000[Book])

PreventionGenetics, part of Exact Sciences
Classification: Uncertain significance for FANCC-related condition. Last evaluated: 2024-05-09. Review status: no assertion criteria provided. Collection method: clinical testing. Allele origin: germline. Not counted in ClinVar's aggregate classification.
Comment: The FANCC c.1508C>T variant is predicted to result in the amino acid substitution p.Thr503Met. This variant was reported in an individual with pancreatic ductal adenocarcinoma, an individual with chronic pancreatitis, and two individuals with breast cancer (Yin et al. 2022. PubMed ID: 35171259; Zhang et al. 2018. PubMed ID: 29905759; Breast Cancer Association Consortium. 2021. PubMed ID: 33471991). This variant has also been reported in controls (Pritchard et al. 2018. PubMed ID: 29641532; Breast Cancer Association Consortium. 2021. PubMed ID: 33471991). This variant is reported in 0.0050% of alleles in individuals of East Asian descent in gnomAD. In ClinVar, this variant has conflicting interpretations ranging from likely benign to uncertain. At this time, the clinical significance of this variant is uncertain due to the absence of conclusive functional and genetic evidence.

Literature cited by the submitters: PubMed 33471991 (cited by Quest Diagnostics Nichols Institute San Juan Capistrano); PubMed 29905759 (cited by Quest Diagnostics Nichols Institute San Juan Capistrano); PubMed 29641532 (cited by Ambry Genetics).